The following is an entry in ClinVar:

NM_017763.6(RNF43):c.174A>G (p.Thr58=)

Gene: RNF43 (ring finger protein 43; minus strand). Cytogenetic location: 17q22.
Variant type: single nucleotide variant.
Coding change: c.174A>G on transcript NM_017763.6 (MANE Select); coding-DNA position 174, A replaced by G.
Protein change: p.Thr58=; no amino-acid change (threonine 58 retained).
Molecular consequence: synonymous variant.
Genome position (GRCh38, 1-based): chr17:58,415,404, T>C on the plus strand (A>G on the coding strand, the complement: RNF43 is on the minus strand). VCF-style: chr17-58415404-T-C. GRCh37 (hg19) VCF-style: chr17-56492765-T-C.
Other names: c.174A>G, p.Thr58= (NM_001305544.3).
Identifiers: ClinVar variation 3789942 (VCV003789942.3).

ClinVar aggregate classification (germline): Benign/Likely benign. Review status: criteria provided, multiple submitters, no conflicts (2 of 4 stars). 3 submissions from 3 submitters: Benign (1); Likely benign (2). Last evaluated 2026-06-29.

Conditions:
Sessile serrated polyposis cancer syndrome (SSPCS). Identifiers: Orphanet 157798, MedGen C4310714, MONDO:0014919, OMIM 617108.

gnomAD v4.1: 2 of 1,614,250 alleles (0.00012%); highest among the groups gnomAD compares: South Asian, 0.0011%; no homozygotes.

Submissions (3):

Myriad Genetics, Inc.
Classification: Benign for Sessile serrated polyposis cancer syndrome. Last evaluated: 2026-06-29. Review status: criteria provided, single submitter. Criteria: Myriad Autosomal Dominant, Autosomal Recessive and X-Linked Classification Criteria (2023). Collection method: clinical testing. Allele origin: unknown.
Comment: This variant is considered benign. This variant is a silent/synonymous amino acid change and it is not expected to impact splicing.

Labcorp Genetics (formerly Invitae), Labcorp
Classification: Likely benign. Last evaluated: 2025-09-24. Review status: criteria provided, single submitter. Criteria: Invitae Variant Classification Sherloc (09022015). Collection method: clinical testing. Allele origin: germline.

Ambry Genetics
Classification: Likely benign. Last evaluated: 2025-02-14. Review status: criteria provided, single submitter. Criteria: Ambry Variant Classification Scheme 2023. Collection method: clinical testing. Allele origin: germline.